The following is an entry in ClinVar:

ClinVar aggregate classification (germline): Uncertain significance. Review status: criteria provided, multiple submitters, no conflicts (2 of 4 stars). 3 submissions from 3 submitters: Uncertain significance (3). Last evaluated 2023-07-26.

Allele frequency attached by ClinVar (database versions not stated): gnomAD exomes 0.00002 and 0.00006; gnomAD 0.00003 and 0.00004; TOPMed 0.00003; ExAC 0.00005.
gnomAD v4.1: 30 of 1,613,898 alleles (0.0019%); highest among the groups gnomAD compares: Admixed American, 0.028%; no homozygotes.

Submissions (3):

Blueprint Genetics
Classification: Uncertain significance. Last evaluated: 2023-07-26. Review status: criteria provided, single submitter. Criteria: ACMG Guidelines, 2015. Collection method: clinical testing. Allele origin: germline.

Labcorp Genetics (formerly Invitae), Labcorp
Classification: Uncertain significance. Last evaluated: 2022-11-22. Review status: criteria provided, single submitter. Criteria: Invitae Variant Classification Sherloc (09022015). Collection method: clinical testing. Allele origin: germline.
Comment: In summary, the available evidence is currently insufficient to determine the role of this variant in disease. Therefore, it has been classified as a Variant of Uncertain Significance. Algorithms developed to predict the effect of missense changes on protein structure and function (SIFT, PolyPhen-2, Align-GVGD) all suggest that this variant is likely to be disruptive. ClinVar contains an entry for this variant (Variation ID: 835649). This variant has not been reported in the literature in individuals affected with KIAA1549-related conditions. This variant is present in population databases (rs746712955, gnomAD 0.03%). This sequence change replaces threonine, which is neutral and polar, with methionine, which is neutral and non-polar, at codon 1386 of the KIAA1549 protein (p.Thr1386Met).

Breakthrough Genomics
Classification: Uncertain significance. Review status: criteria provided, single submitter. Criteria: ACMG Guidelines, 2015. Collection method: not provided. Allele origin: germline. Inheritance: Autosomal recessive inheritance. Affected: yes.

NM_001164665.2(KIAA1549):c.4157C>T (p.Thr1386Met)

Gene: KIAA1549 (KIAA1549; minus strand). Cytogenetic location: 7q34.
Variant type: single nucleotide variant.
Coding change: c.4157C>T on transcript NM_001164665.2 (MANE Select); coding-DNA position 4157, C replaced by T.
Protein change: p.Thr1386Met; replaces threonine 1386 with methionine.
Molecular consequence: missense variant.
Genome position (GRCh38, 1-based): chr7:138,881,460, G>A on the plus strand (C>T on the coding strand, the complement: KIAA1549 is on the minus strand). VCF-style: chr7-138881460-G-A. GRCh37 (hg19) VCF-style: chr7-138566206-G-A.
Other names: c.4157C>T, p.Thr1386Met (NM_020910.3); short protein forms T1386M.
Identifiers: ClinVar variation 835649 (VCV000835649.7), dbSNP rs746712955, ClinGen allele CA4505991.